The following is an entry in ClinVar:

NM_000075.4(CDK4):c.430G>C (p.Glu144Gln)

Gene: CDK4 (cyclin dependent kinase 4; minus strand). Cytogenetic location: 12q14.1.
Variant type: single nucleotide variant.
Coding change: c.430G>C on transcript NM_000075.4 (MANE Select); coding-DNA position 430, G replaced by C.
Protein change: p.Glu144Gln; replaces glutamic acid 144 with glutamine.
Molecular consequence: missense variant.
Genome position (GRCh38, 1-based): chr12:57,751,015, C>G on the plus strand (G>C on the coding strand, the complement: CDK4 is on the minus strand). VCF-style: chr12-57751015-C-G. GRCh37 (hg19) VCF-style: chr12-58144798-C-G.
Other names: short protein forms E144Q.
Identifiers: ClinVar variation 2700377 (VCV002700377.3), dbSNP rs2140386565, ClinGen allele CA385546577.

ClinVar aggregate classification (germline): Uncertain significance (1 of 4 stars; one submission).

Conditions:
Familial melanoma. Also called: Hereditary melanoma; Hereditary cutaneous melanoma. Identifiers: Orphanet 618, MedGen C1512419, MONDO:0018961.

Submission:

Labcorp Genetics (formerly Invitae), Labcorp
Classification: Uncertain significance for Familial melanoma. Last evaluated: 2023-12-02. Review status: criteria provided, single submitter. Criteria: Invitae Variant Classification Sherloc (09022015). Collection method: clinical testing. Allele origin: germline.
Comment: This sequence change replaces glutamic acid, which is acidic and polar, with glutamine, which is neutral and polar, at codon 144 of the CDK4 protein (p.Glu144Gln). This variant is not present in population databases (gnomAD no frequency). This variant has not been reported in the literature in individuals affected with CDK4-related conditions. An algorithm developed to predict the effect of missense changes on protein structure and function (PolyPhen-2) suggests that this variant is likely to be tolerated. In summary, the available evidence is currently insufficient to determine the role of this variant in disease. Therefore, it has been classified as a Variant of Uncertain Significance.